The following is an entry in ClinVar:

ClinVar aggregate classification (germline): Uncertain significance (1 of 4 stars; one submission).

Submission:

Ambry Genetics
Classification: Uncertain significance. Last evaluated: 2022-05-26. Review status: criteria provided, single submitter. Criteria: Ambry Variant Classification Scheme 2023. Collection method: clinical testing. Allele origin: germline.
Comment: The p.D1408G variant (also known as c.4223A>G), located in coding exon 16 of the POLQ gene, results from an A to G substitution at nucleotide position 4223. The aspartic acid at codon 1408 is replaced by glycine, an amino acid with similar properties. This amino acid position is conserved. In addition, this alteration is predicted to be tolerated by in silico analysis. Since supporting evidence is limited at this time, the clinical significance of this alteration remains unclear.

NM_199420.4(POLQ):c.4223A>G (p.Asp1408Gly)

Gene: POLQ (DNA polymerase theta; minus strand). Cytogenetic location: 3q13.33.
Variant type: single nucleotide variant.
Coding change: c.4223A>G on transcript NM_199420.4 (MANE Select); coding-DNA position 4223, A replaced by G.
Protein change: p.Asp1408Gly; replaces aspartic acid 1408 with glycine.
Molecular consequence: missense variant.
Genome position (GRCh38, 1-based): chr3:121,488,708, T>C on the plus strand (A>G on the coding strand, the complement: POLQ is on the minus strand). VCF-style: chr3-121488708-T-C. GRCh37 (hg19) VCF-style: chr3-121207555-T-C.
Other names: short protein forms D1408G.
Identifiers: ClinVar variation 1738840 (VCV001738840.2), dbSNP rs2546786176, ClinGen allele CA354095706.